The following is an entry in ClinVar:

ClinVar aggregate classification (germline): Uncertain significance. Review status: criteria provided, multiple submitters, no conflicts (2 of 4 stars). 2 submissions from 2 submitters: Uncertain significance (2). Last evaluated 2025-01-23.

Allele frequency attached by ClinVar (database versions not stated): gnomAD exomes below 0.00001; gnomAD 0.00001; TOPMed 0.00002.
gnomAD v4.1: 2 of 1,614,072 alleles (0.00012%); highest among the groups gnomAD compares: Non-Finnish European, 0.00017%; no homozygotes.

Submissions (2):

Labcorp Genetics (formerly Invitae), Labcorp
Classification: Uncertain significance. Last evaluated: 2025-01-23. Review status: criteria provided, single submitter. Criteria: Invitae Variant Classification Sherloc (09022015). Collection method: clinical testing. Allele origin: germline.
Comment: This sequence change replaces methionine, which is neutral and non-polar, with threonine, which is neutral and polar, at codon 323 of the MYH9 protein (p.Met323Thr). This variant is not present in population databases (gnomAD no frequency). This variant has not been reported in the literature in individuals affected with MYH9-related conditions. ClinVar contains an entry for this variant (Variation ID: 666862). Invitae Evidence Modeling of protein sequence and biophysical properties (such as structural, functional, and spatial information, amino acid conservation, physicochemical variation, residue mobility, and thermodynamic stability) indicates that this missense variant is not expected to disrupt MYH9 protein function with a negative predictive value of 95%. In summary, the available evidence is currently insufficient to determine the role of this variant in disease. Therefore, it has been classified as a Variant of Uncertain Significance.

Laboratory for Molecular Medicine, Mass General Brigham Personalized Medicine
Classification: Uncertain significance. Last evaluated: 2018-04-04. Review status: criteria provided, single submitter. Criteria: LMM Criteria. Collection method: clinical testing. Allele origin: germline. Observed: 1 variant allele.
Comment: The p.Met323Thr variant in MYH9 has not been previously reported in individuals with hearing loss and was absent from large population studies. Computational pr ediction tools and conservation analysis do not provide strong support for or ag ainst an impact to the protein. In summary, the clinical significance of the p.M et323Thr variant is uncertain. ACMG/AMP Criteria applied: PM2.

NM_002473.6(MYH9):c.968T>C (p.Met323Thr)

Gene: MYH9 (myosin heavy chain 9; minus strand). Cytogenetic location: 22q12.3.
Variant type: single nucleotide variant.
Coding change: c.968T>C on transcript NM_002473.6 (MANE Select); coding-DNA position 968, T replaced by C.
Protein change: p.Met323Thr; replaces methionine 323 with threonine.
Molecular consequence: missense variant.
Genome position (GRCh38, 1-based): chr22:36,320,264, A>G on the plus strand (T>C on the coding strand, the complement: MYH9 is on the minus strand). VCF-style: chr22-36320264-A-G. GRCh37 (hg19) VCF-style: chr22-36716309-A-G.
Other names: short protein forms M323T.
Identifiers: ClinVar variation 666862 (VCV000666862.6), dbSNP rs1364094810, ClinGen allele CA411404993.